The following is an entry in ClinVar:

NM_016938.5(EFEMP2):c.437_439del (p.Ser146del)

Gene: EFEMP2 (EGF-like fibulin extracellular matrix protein 2; minus strand). Cytogenetic location: 11q13.1.
Variant type: Deletion.
Coding change: c.437_439del on transcript NM_016938.5 (MANE Select); coding-DNA positions 437 to 439, 3 bases deleted (CCT; older notation c.437_439delCCT).
Protein change: p.Ser146del; deletes serine 146.
Molecular consequence: inframe deletion. On other transcripts: non-coding transcript variant (1).
Genome position (GRCh38, 1-based): chr11:65,870,587-65,870,589, AGG deleted on the plus strand (CCT on the coding strand, the reverse complement: EFEMP2 is on the minus strand); deleting any 3 consecutive bases within chr11:65,870,587-65,870,591 gives the same sequence; the c. name uses the placement nearest the transcript's 3' end. VCF-style (leftmost placement, unchanged base first): chr11-65870586-TAGG-T. GRCh37 (hg19) VCF-style: chr11-65638057-TAGG-T.
Other names: short protein forms S146del.
Identifiers: ClinVar variation 1059826 (VCV001059826.9), dbSNP rs2134751198, ClinGen allele CA2499221181.

ClinVar aggregate classification (germline): Uncertain significance (1 of 4 stars; one submission).

Conditions:
Cutis laxa, autosomal recessive, type 1B (ARCL1B). Also called: CUTIS LAXA, AUTOSOMAL RECESSIVE, TYPE IB; EFEMP2-Related Cutis Laxa. Identifiers: Orphanet 90349, MedGen C3280798, MONDO:0013754, OMIM 614437. Disease mechanism: loss of function.

Submission:

Labcorp Genetics (formerly Invitae), Labcorp
Classification: Uncertain significance for Cutis laxa, autosomal recessive, type 1B. Last evaluated: 2020-10-12. Review status: criteria provided, single submitter. Criteria: Invitae Variant Classification Sherloc (09022015). Collection method: clinical testing. Allele origin: germline.
Comment: In summary, the available evidence is currently insufficient to determine the role of this variant in disease. Therefore, it has been classified as a Variant of Uncertain Significance. Experimental studies and prediction algorithms are not available or were not evaluated, and the functional significance of this variant is currently unknown. This variant has not been reported in the literature in individuals with EFEMP2-related conditions. This variant is not present in population databases (ExAC no frequency). This variant, c.437_439del, results in the deletion of 1 amino acid(s) of the EFEMP2 protein (p.Ser146del), but otherwise preserves the integrity of the reading frame.